The following is an entry in ClinVar:

ClinVar aggregate classification (germline): Benign/Likely benign. Review status: criteria provided, multiple submitters, no conflicts (2 of 4 stars). 2 submissions from 2 submitters: Benign (1); Likely benign (1). Last evaluated 2023-03-01.

Allele frequency attached by ClinVar (database versions not stated): 1000 Genomes Project 30x 0.00047; 1000 Genomes Project 0.00060; gnomAD 0.00182 and 0.00188; TOPMed 0.00199; ESP Exome Variant Server 0.00215; ExAC 0.00217; gnomAD exomes 0.00218 and 0.00253.

Submissions (2):

CeGaT Center for Human Genetics Tuebingen
Classification: Likely benign. Last evaluated: 2023-03-01. Review status: criteria provided, single submitter. Criteria: CeGaT Center For Human Genetics Tuebingen Variant Classification Criteria Version 2. Collection method: clinical testing. Allele origin: germline. Affected: yes. Observed: 1 variant allele.
Comment: PXK: BP4, BP7

Labcorp Genetics (formerly Invitae), Labcorp
Classification: Benign. Last evaluated: 2018-02-20. Review status: criteria provided, single submitter. Criteria: Invitae Variant Classification Sherloc (09022015). Collection method: clinical testing. Allele origin: germline.

NM_017771.5(PXK):c.603G>A (p.Leu201=)

Gene: PXK (PX domain containing serine/threonine kinase like; plus strand). Cytogenetic location: 3p14.3.
Variant type: single nucleotide variant.
Coding change: c.603G>A on transcript NM_017771.5 (MANE Select); coding-DNA position 603, G replaced by A.
Protein change: p.Leu201=; no amino-acid change (leucine 201 retained).
Molecular consequence: synonymous variant. On other transcripts: non-coding transcript variant (2).
Genome position (GRCh38, 1-based): chr3:58,391,835, G>A. VCF-style: chr3-58391835-G-A. GRCh37 (hg19) VCF-style: chr3-58377562-G-A.
Other names: c.552G>A, p.Leu184= (NM_001289095.2, NM_001349496.2, NM_001349497.2 and 5 more transcripts); c.504G>A, p.Leu168= (NM_001289096.2, NM_001289100.2, NM_001349490.2 and 3 more transcripts); c.603G>A, p.Leu201= (NM_001289098.2, NM_001349488.2, NM_001349492.2 and 11 more transcripts); c.354G>A, p.Leu118= (NM_001289099.2, NM_001349489.2, NM_001349513.2 and 5 more transcripts); c.192G>A, p.Leu64= (NM_001289101.2, NM_001349491.2, NM_001349525.2 and 10 more transcripts); c.555G>A, p.Leu185= (NM_001349494.2, NM_001349495.2, NM_001349501.2 and 4 more transcripts); c.543G>A, p.Leu181= (NM_001349498.1).
Identifiers: ClinVar variation 718937 (VCV000718937.27), dbSNP rs56401437, ClinGen allele CA2470898.